The following is an entry in ClinVar:

NM_002335.4(LRP5):c.489-7G>A

Gene: LRP5 (LDL receptor related protein 5; plus strand). Cytogenetic location: 11q13.2.
Variant type: single nucleotide variant.
Coding change: c.489-7G>A on transcript NM_002335.4 (MANE Select); 7 bases into the intron before coding-DNA position 489, G replaced by A.
Molecular consequence: intron variant.
Genome position (GRCh38, 1-based): chr11:68,357,643, G>A. VCF-style: chr11-68357643-G-A. GRCh37 (hg19) VCF-style: chr11-68125111-G-A.
Other names: c.-1277-7G>A (NM_001291902.2).
Identifiers: ClinVar variation 796266 (VCV000796266.13), dbSNP rs560234502, ClinGen allele CA6149030.

ClinVar aggregate classification (germline): Likely benign. Review status: criteria provided, multiple submitters, no conflicts (2 of 4 stars). 3 submissions from 3 submitters: Likely benign (3). Last evaluated 2025-07-06.

Conditions:
Autosomal dominant osteopetrosis 1 (OPTA1). Also called: OSTEOPETROSIS, AUTOSOMAL DOMINANT, TYPE I. Identifiers: Orphanet 2783, MedGen C1843330, MONDO:0011877, OMIM 607634.
Exudative vitreoretinopathy 1 (EVR1). Also called: CRISWICK-SCHEPENS SYNDROME; FEVR, AUTOSOMAL DOMINANT; Familial exudative vitreoretinopathy, autosomal dominant. Identifiers: Orphanet 891, Orphanet 90050, MedGen C1851402, MONDO:0007589, OMIM 133780.
Bone mineral density quantitative trait locus 1 (BMND1). Identifiers: MedGen C1866079, OMIM 601884.
Polycystic liver disease 4 with or without kidney cysts. Identifiers: MedGen C4693479, MONDO:0044327, OMIM 617875.
Worth disease. Also called: ENDOSTEAL HYPEROSTOSIS, AUTOSOMAL DOMINANT; OSTEOSCLEROSIS, AUTOSOMAL DOMINANT; Autosomal dominant osteosclerosis, Worth type. Identifiers: Orphanet 2790, MedGen C0432273, MONDO:0007764, OMIM 144750.
Exudative vitreoretinopathy 4 (EVR4). Identifiers: Orphanet 891, MedGen C1866176, MONDO:0011151, OMIM 601813.
Osteoporosis. Identifiers: MedGen C0029456, MONDO:0005298, OMIM 166710, HP:0000939.
Osteoporosis with pseudoglioma (OPPG). Also called: osteoporosis-pseudoglioma syndrome. Identifiers: Orphanet 2788, MedGen C0432252, MONDO:0009820, OMIM 259770.
LRP5-related disorder. Also called: LRP5-related condition.

Allele frequency attached by ClinVar (database versions not stated): gnomAD 0.00004 and 0.00005; gnomAD exomes 0.00004 and 0.00006; TOPMed 0.00006; ExAC 0.00007; 1000 Genomes Project 0.00040; 1000 Genomes Project 30x 0.00062.
gnomAD v4.1: 65 of 1,613,456 alleles (0.004%); highest among the groups gnomAD compares: South Asian, 0.011%; no homozygotes.

Submissions (3):

Labcorp Genetics (formerly Invitae), Labcorp
Classification: Likely benign. Last evaluated: 2025-07-06. Review status: criteria provided, single submitter. Criteria: Invitae Variant Classification Sherloc (09022015). Collection method: clinical testing. Allele origin: germline.

PreventionGenetics, part of Exact Sciences
Classification: Likely benign for LRP5-related condition. Last evaluated: 2025-01-15. Review status: criteria provided, single submitter. Criteria: ACMG Guidelines, 2015. Collection method: clinical testing. Allele origin: germline.
Comment: This variant is classified as likely benign based on ACMG/AMP sequence variant interpretation guidelines (Richards et al. 2015 PMID: 25741868, with internal and published modifications).

Fulgent Genetics
Classification: Likely benign for Exudative vitreoretinopathy 1; Worth disease; Osteoporosis; Osteoporosis with pseudoglioma; Exudative vitreoretinopathy 4; Bone mineral density quantitative trait locus 1; Autosomal dominant osteopetrosis 1; Polycystic liver disease 4 with or without kidney cysts. Last evaluated: 2021-10-27. Review status: criteria provided, single submitter. Criteria: ACMG Guidelines, 2015. Collection method: clinical testing. Allele origin: unknown.